The following is an entry in ClinVar:

ClinVar aggregate classification (germline): Uncertain significance (1 of 4 stars; one submission).

Allele frequency attached by ClinVar (database versions not stated): gnomAD exomes below 0.00001; gnomAD 0.00001; TOPMed 0.00002.
gnomAD v4.1: 4 of 1,613,388 alleles (0.00025%); highest among the groups gnomAD compares: Admixed American, 0.0017%; no homozygotes.

Submission:

Ambry Genetics
Classification: Uncertain significance. Last evaluated: 2021-07-14. Review status: criteria provided, single submitter. Criteria: Ambry Variant Classification Scheme 2023. Collection method: clinical testing. Allele origin: germline.
Comment: The p.L125P variant (also known as c.374T>C), located in coding exon 3 of the IKBKAP gene, results from a T to C substitution at nucleotide position 374. The leucine at codon 125 is replaced by proline, an amino acid with similar properties. This amino acid position is conserved. In addition, the in silico prediction for this alteration is inconclusive. Since supporting evidence is limited at this time, the clinical significance of this alteration remains unclear.

NM_003640.5(ELP1):c.374T>C (p.Leu125Pro)

Gene: ELP1 (elongator acetyltransferase complex subunit 1; minus strand). Cytogenetic location: 9q31.3.
Variant type: single nucleotide variant.
Coding change: c.374T>C on transcript NM_003640.5 (MANE Select); coding-DNA position 374, T replaced by C.
Protein change: p.Leu125Pro; replaces leucine 125 with proline.
Molecular consequence: missense variant. On other transcripts: 5 prime UTR variant (1).
Genome position (GRCh38, 1-based): chr9:108,927,383, A>G on the plus strand (T>C on the coding strand, the complement: ELP1 is on the minus strand). VCF-style: chr9-108927383-A-G. GRCh37 (hg19) VCF-style: chr9-111689663-A-G.
Other names: c.32T>C, p.Leu11Pro (NM_001318360.2); c.-486T>C (NM_001330749.2); short protein forms L11P, L125P.
Identifiers: ClinVar variation 1799725 (VCV001799725.2), dbSNP rs1229842710, ClinGen allele CA374391741.